The following is an entry in ClinVar:

NM_007294.4(BRCA1):c.2220del (p.Ser741fs)

Gene: BRCA1 (BRCA1 DNA repair associated; minus strand). Cytogenetic location: 17q21.31.
Variant type: Deletion.
Coding change: c.2220del on transcript NM_007294.4 (MANE Select); coding-DNA position 2220, one base deleted (G; older notation c.2220delG).
Protein change: p.Ser741fs; shifts the reading frame from serine 741.
Molecular consequence: frameshift variant. On other transcripts: intron variant (137).
Genome position (GRCh38, 1-based): chr17:43,093,311, C deleted on the plus strand (G on the coding strand, the reverse complement: BRCA1 is on the minus strand). VCF-style (leftmost placement, unchanged base first): chr17-43093310-AC-A. GRCh37 (hg19) VCF-style: chr17-41245327-AC-A.
Other names: c.2217del, p.Ser740fs (NM_001407590.1, NM_001407591.1, NM_001407610.1 and 22 more transcripts); c.2220del, p.Ser741fs (NM_001407593.1, NM_001407594.1, NM_001407596.1 and 30 more transcripts); c.2007del, p.Ser670fs (NM_001407571.1, NM_001407853.1, NM_001407894.1 and 9 more transcripts); c.2211del, p.Ser738fs (NM_001407646.1, NM_001407647.1); c.2097del, p.Ser700fs (NM_001407648.1, NM_001407664.1, NM_001407665.1 and 19 more transcripts); c.2094del, p.Ser699fs (NM_001407649.1, NM_001407670.1, NM_001407671.1 and 11 more transcripts); c.2142del, p.Ser715fs (NM_001407653.1, NM_001407654.1, NM_001407655.1 and 4 more transcripts); c.2139del, p.Ser714fs (NM_001407659.1, NM_001407660.1, NM_001407661.1 and 1 more transcripts); and 41 more; short protein forms S741fs, S694fs, S629fs, S693fs, S700fs, S740fs, S445fs, S573fs.
Identifiers: ClinVar variation 1382980 (VCV001382980.7), dbSNP rs2154391486, ClinGen allele CA2573154046.

ClinVar aggregate classification (germline): Pathogenic (1 of 4 stars; one submission).

Conditions:
Hereditary breast ovarian cancer syndrome. Also called: Hereditary breast and ovarian cancer syndrome (HBOC); Breast and ovarian cancer; BRCA1- and BRCA2-Associated Hereditary Breast and Ovarian Cancer; Hereditary breast and ovarian cancer; Hereditary breast and ovarian cancer syndrome; Hereditary breast and/or ovarian cancer syndrome. Identifiers: Orphanet 145, MedGen C0677776, MeSH D061325, MONDO:0003582. Disease mechanism: loss of function.

Submission:

Labcorp Genetics (formerly Invitae), Labcorp
Classification: Pathogenic for Hereditary breast ovarian cancer syndrome. Last evaluated: 2021-09-18. Review status: criteria provided, single submitter. Criteria: Invitae Variant Classification Sherloc (09022015). Collection method: clinical testing. Allele origin: germline.
Comment: For these reasons, this variant has been classified as Pathogenic. This variant has not been reported in the literature in individuals affected with BRCA1-related conditions. This variant is not present in population databases (ExAC no frequency). This sequence change creates a premature translational stop signal (p.Ser741Leufs*12) in the BRCA1 gene. It is expected to result in an absent or disrupted protein product. Loss-of-function variants in BRCA1 are known to be pathogenic (PMID: 20104584).

Literature cited by the submitters: PubMed 20104584.